The following is an entry in ClinVar:

ClinVar aggregate classification (germline): Uncertain significance (1 of 4 stars; one submission).

Conditions:
Charcot-Marie-Tooth disease axonal type 2O. Also called: CHARCOT-MARIE-TOOTH NEUROPATHY, AXONAL, TYPE 2O; CHARCOT-MARIE-TOOTH DISEASE, AXONAL, AUTOSOMAL DOMINANT, TYPE 2O; Charcot-Marie-Tooth Neuropathy Type 2O; Charcot-Marie-Tooth disease, axonal, type 20. Identifiers: Orphanet 284232, MedGen C3280220, MONDO:0013644, OMIM 614228.

gnomAD v4.1: 7 of 1,554,574 alleles (0.00045%); highest among the groups gnomAD compares: Non-Finnish European, 0.0006%; no homozygotes.

Submission:

Labcorp Genetics (formerly Invitae), Labcorp
Classification: Uncertain significance for Charcot-Marie-Tooth disease axonal type 2O. Last evaluated: 2024-07-25. Review status: criteria provided, single submitter. Criteria: Invitae Variant Classification Sherloc (09022015). Collection method: clinical testing. Allele origin: germline.
Comment: This sequence change falls in intron 76 of the DYNC1H1 gene. It does not directly change the encoded amino acid sequence of the DYNC1H1 protein. It affects a nucleotide within the consensus splice site. This variant is not present in population databases (gnomAD no frequency). This variant has not been reported in the literature in individuals affected with DYNC1H1-related conditions. Variants that disrupt the consensus splice site are a relatively common cause of aberrant splicing (PMID: 17576681, 9536098). Algorithms developed to predict the effect of sequence changes on RNA splicing suggest that this variant is not likely to affect RNA splicing. In summary, the available evidence is currently insufficient to determine the role of this variant in disease. Therefore, it has been classified as a Variant of Uncertain Significance.

Literature cited by the submitters: PubMed 17576681; PubMed 9536098.

NM_001376.5(DYNC1H1):c.13685-3C>T

Gene: DYNC1H1 (dynein cytoplasmic 1 heavy chain 1; plus strand). Cytogenetic location: 14q32.31.
Variant type: single nucleotide variant.
Coding change: c.13685-3C>T on transcript NM_001376.5 (MANE Select); 3 bases into the intron before coding-DNA position 13685, C replaced by T.
Molecular consequence: intron variant.
Genome position (GRCh38, 1-based): chr14:102,050,068, C>T. VCF-style: chr14-102050068-C-T. GRCh37 (hg19) VCF-style: chr14-102516405-C-T.
Identifiers: ClinVar variation 3730257 (VCV003730257.2).